The following is an entry in ClinVar:

ClinVar aggregate classification (germline): Conflicting classifications of pathogenicity. Review status: criteria provided, conflicting classifications (1 of 4 stars). 3 submissions from 3 submitters: Likely pathogenic (1); Uncertain significance (2). Last evaluated 2025-01-06.

Conditions:
Huntington disease-like syndrome. Identifiers: Orphanet 158266, MedGen C3711380, MONDO:0015548.
Alzheimer disease 4 (AD4). Identifiers: Orphanet 1020, MedGen C1847200, MONDO:0011743, OMIM 606889.

Allele frequency attached by ClinVar (database versions not stated): gnomAD 0.00001; gnomAD exomes 0.00001; TOPMed 0.00001.
gnomAD v4.1: 10 of 1,612,776 alleles (0.00062%); highest among the groups gnomAD compares: Middle Eastern, 0.016%; no homozygotes.

Submissions (3):

Labcorp Genetics (formerly Invitae), Labcorp
Classification: Uncertain significance for Alzheimer disease 4. Last evaluated: 2025-01-06. Review status: criteria provided, single submitter. Criteria: Invitae Variant Classification Sherloc (09022015). Collection method: clinical testing. Allele origin: germline.
Comment: This sequence change replaces valine, which is neutral and non-polar, with methionine, which is neutral and non-polar, at codon 150 of the PSEN2 protein (p.Val150Met). This variant is present in population databases (no rsID available, gnomAD 0.01%). This missense change has been observed in individual(s) with clinical features of PSEN2-related conditions (PMID: 30279455, 30822634). ClinVar contains an entry for this variant (Variation ID: 424013). Invitae Evidence Modeling of protein sequence and biophysical properties (such as structural, functional, and spatial information, amino acid conservation, physicochemical variation, residue mobility, and thermodynamic stability) indicates that this missense variant is not expected to disrupt PSEN2 protein function with a negative predictive value of 80%. In summary, the available evidence is currently insufficient to determine the role of this variant in disease. Therefore, it has been classified as a Variant of Uncertain Significance.

GeneDx
Classification: Uncertain significance. Last evaluated: 2017-03-22. Review status: criteria provided, single submitter. Criteria: GeneDx Variant Classification (06012015). Collection method: clinical testing. Allele origin: germline. Affected: yes.
Comment: The V150M variant in the PSEN2 gene has not been reported previously as a pathogenic variant, nor as a benign variant, to our knowledge. This variant is not observed in large population cohorts (Lek et al., 2016; 1000 Genomes Consortium et al., 2015; Exome Variant Server). The V150M variant is a conservative amino acid substitution, which is not likely to impact secondary protein structure as these residues share similar properties. This substitution occurs at a position where amino acids with similar properties to Valine are tolerated across species. In silico analysis is inconsistent in its predictions as to whether or not the variant is damaging to the protein structure/function. We interpret V150M as a variant of uncertain significance

Human Genetics Group at Institute of Prion Diseases London, University College London
Classification: Likely pathogenic for Huntington disease-like syndrome. Last evaluated: 2017-02-01. Review status: criteria provided, single submitter. Criteria: Koriath et al. 2018. Collection method: research. Allele origin: unknown. Affected: yes. Observed: 1 variant allele.
Comment: Not in Exac, known pathogenic mutation at 148 v148i (similar aminoacid), reported in young onset Alzheimer patient with a family history in a thesis

Confirmed by Sanger sequencing

Literature cited by the submitters: PubMed 30279455 (cited by Labcorp Genetics (formerly Invitae), Labcorp); PubMed 30822634 (cited by Labcorp Genetics (formerly Invitae), Labcorp).

NM_000447.3(PSEN2):c.448G>A (p.Val150Met)

Gene: PSEN2 (presenilin 2; plus strand). Cytogenetic location: 1q42.13.
Variant type: single nucleotide variant.
Coding change: c.448G>A on transcript NM_000447.3 (MANE Select); coding-DNA position 448, G replaced by A.
Protein change: p.Val150Met; replaces valine 150 with methionine.
Molecular consequence: missense variant.
Genome position (GRCh38, 1-based): chr1:226,885,629, G>A. VCF-style: chr1-226885629-G-A. GRCh37 (hg19) VCF-style: chr1-227073330-G-A.
Other names: c.448G>A, p.Val150Met (NM_012486.3); short protein forms V150M.
Identifiers: ClinVar variation 424013 (VCV000424013.10), dbSNP rs866044092, ClinGen allele CA16617077.